The following is an entry in ClinVar:

NM_021625.5(TRPV4):c.1297G>A (p.Val433Met)

Gene: TRPV4 (transient receptor potential cation channel subfamily V member 4; minus strand). Cytogenetic location: 12q24.11.
Variant type: single nucleotide variant.
Coding change: c.1297G>A on transcript NM_021625.5 (MANE Select); coding-DNA position 1297, G replaced by A.
Protein change: p.Val433Met; replaces valine 433 with methionine.
Molecular consequence: missense variant. On other transcripts: intron variant (2).
Genome position (GRCh38, 1-based): chr12:109,796,560, C>T on the plus strand (G>A on the coding strand, the complement: TRPV4 is on the minus strand). VCF-style: chr12-109796560-C-T. GRCh37 (hg19) VCF-style: chr12-110234365-C-T.
Other names: c.1156G>A, p.Val386Met (NM_001177428.2); c.1195G>A, p.Val399Met (NM_001177431.2); c.1011+2054G>A (NM_001177433.1); c.1152+2054G>A (NM_147204.2); short protein forms V433M, V399M, V386M.
Identifiers: ClinVar variation 246542 (VCV000246542.5), dbSNP rs879254304, ClinGen allele CA10584398.

ClinVar aggregate classification (germline): Uncertain significance (1 of 4 stars; one submission).

Allele frequency attached by ClinVar (database versions not stated): gnomAD 0.00001; TOPMed 0.00001; gnomAD exomes below 0.00001.
gnomAD v4.1: 10 of 1,614,026 alleles (0.00062%); highest among the groups gnomAD compares: Admixed American, 0.0017%; no homozygotes.

Submission:

GeneDx
Classification: Uncertain significance. Last evaluated: 2023-12-08. Review status: criteria provided, single submitter. Criteria: GeneDx Variant Classification Process June 2021. Collection method: clinical testing. Allele origin: germline. Affected: yes.
Comment: Not observed at significant frequency in large population cohorts (gnomAD); In silico analysis supports that this missense variant has a deleterious effect on protein structure/function; Has not been previously published as pathogenic or benign to our knowledge; This variant is associated with the following publications: (PMID: 27535533)